The following is an entry in ClinVar:

ClinVar aggregate classification (germline): Pathogenic (1 of 4 stars; one submission).

Submission:

Labcorp Genetics (formerly Invitae), Labcorp
Classification: Pathogenic. Last evaluated: 2025-09-30. Review status: criteria provided, single submitter. Criteria: Invitae Variant Classification Sherloc (09022015). Collection method: clinical testing. Allele origin: germline.
Comment: This sequence change creates a premature translational stop signal (p.Lys152Glufs*105) in the SERPING1 gene. It is expected to result in an absent or disrupted protein product. Loss-of-function variants in SERPING1 are known to be pathogenic (PMID: 11112899, 24456027). This variant is not present in population databases (gnomAD no frequency). This variant has not been reported in the literature in individuals affected with SERPING1-related conditions. For these reasons, this variant has been classified as Pathogenic.

Literature cited by the submitters: PubMed 11112899; PubMed 24456027.

NM_000062.3(SERPING1):c.452dup (p.Lys152fs)

Gene: SERPING1 (serpin family G member 1; plus strand). Cytogenetic location: 11q12.1.
Variant type: Duplication.
Coding change: c.452dup on transcript NM_000062.3 (MANE Select); coding-DNA position 452, one base duplicated (T; older notation c.452dupT).
Protein change: p.Lys152fs; shifts the reading frame from lysine 152.
Molecular consequence: frameshift variant.
Genome position (GRCh38, 1-based): chr11:57,600,279, T duplicated. VCF-style (leftmost placement, unchanged base first): chr11-57600278-C-CT. GRCh37 (hg19) VCF-style: chr11-57367751-C-CT.
Other names: c.452dup, p.Lys152fs (NM_001032295.2); short protein forms K152fs.
Identifiers: ClinVar variation 4728162 (VCV004728162.1).